The following is an entry in ClinVar:

ClinVar aggregate classification (germline): Uncertain significance (1 of 4 stars; one submission).

Conditions:
Autosomal recessive nonsyndromic hearing loss 39. Identifiers: Orphanet 90636, MedGen C1842342, MONDO:0012003, OMIM 608265.

gnomAD v4.1: 18 of 1,450,164 alleles (0.0012%); highest among the groups gnomAD compares: African/African-American, 0.013%; no homozygotes.

Submission:

Clinical Genomics Laboratory, Washington University in St. Louis
Classification: Uncertain significance for Autosomal recessive nonsyndromic hearing loss 39. Last evaluated: 2025-11-17. Review status: criteria provided, single submitter. Criteria: ACMG Guidelines, 2015. Collection method: clinical testing. Allele origin: germline.
Comment: An HGF c.1444+6T>C variant was identified at a near heterozygous allelic fraction of 46.1%, a frequency which may be consistent with it being of germline origin. The HGF c.1444+6T>C variant, to our knowledge, has not been reported in the medical literature. This variant is only observed in 18/1,450,164 alleles in the general population (gnomAD v4.1.0), indicating it is not a common variant. Computational predictors indicate that this variant would alter splicing, evidence that correlates with an impact of this variant on HGF function. Due to limited information, and based on ACMG/AMP guidelines for variant interpretation (Richards S et al., PMID: 25741868), the clinical significance of this variant is uncertain at this time.

NM_000601.6(HGF):c.1444+6T>C

Gene: HGF (hepatocyte growth factor; minus strand). Cytogenetic location: 7q21.11.
Variant type: single nucleotide variant.
Coding change: c.1444+6T>C on transcript NM_000601.6 (MANE Select); 6 bases into the intron after coding-DNA position 1444, T replaced by C.
Molecular consequence: intron variant.
Genome position (GRCh38, 1-based): chr7:81,711,475, A>G on the plus strand (T>C on the coding strand, the complement: HGF is on the minus strand). VCF-style: chr7-81711475-A-G. GRCh37 (hg19) VCF-style: chr7-81340791-A-G.
Other names: c.1429+6T>C (NM_001010932.3).
Identifiers: ClinVar variation 4974594 (VCV004974594.1).